The following is an entry in ClinVar:

NM_004415.4(DSP):c.2802_2803del (p.His934fs)

Gene: DSP (desmoplakin; plus strand). Cytogenetic location: 6p24.3.
Variant type: Microsatellite.
Coding change: c.2802_2803del on transcript NM_004415.4 (MANE Select); coding-DNA positions 2802 to 2803, 2 bases deleted (CA; older notation c.2802_2803delCA).
Protein change: p.His934fs; shifts the reading frame from histidine 934.
Molecular consequence: frameshift variant.
Genome position (GRCh38, 1-based): chr6:7,576,967-7,576,968, CA deleted; deleting any 2 consecutive bases within chr6:7,576,965-7,576,968 gives the same sequence; the c. name uses the placement nearest the transcript's 3' end. VCF-style (leftmost placement, unchanged base first): chr6-7576964-GCA-G. GRCh37 (hg19) VCF-style: chr6-7577197-GCA-G.
Other names: c.2802_2803del, p.His934fs (NM_001008844.3, NM_001319034.2); c.2800_2801CA[1], p.His934Glnfs (NM_004415.2); c.2802_2803del (NM_004415.2); short protein forms H934fs.
Identifiers: ClinVar variation 3384349 (VCV003384349.2).

ClinVar aggregate classification (germline): Likely pathogenic (1 of 4 stars; one submission).

Submission:

GeneDx
Classification: Likely pathogenic. Last evaluated: 2025-06-10. Review status: criteria provided, single submitter. Criteria: GeneDx Variant Classification Process June 2021. Collection method: clinical testing. Allele origin: germline.
Comment: Has not been previously published as pathogenic or benign to our knowledge; Not observed at significant frequency in large population cohorts (gnomAD); Frameshift variant predicted to result in protein truncation or nonsense mediated decay in a gene for which loss of function is a known mechanism of disease; This variant is associated with the following publications: (PMID: 31638835, 33684294)